The following is an entry in ClinVar:

ClinVar aggregate classification (germline): Uncertain significance. Review status: criteria provided, multiple submitters, no conflicts (2 of 4 stars). 3 submissions from 3 submitters: Uncertain significance (3). Last evaluated 2025-07-09.

Conditions:
Cardiovascular phenotype. Identifiers: MedGen CN230736.
Dilated cardiomyopathy 1JJ (CMD1JJ). Identifiers: Orphanet 154, MedGen C3808935, MONDO:0014095, OMIM 615235.

gnomAD v4.1: 3 of 1,613,786 alleles (0.00019%); highest among the groups gnomAD compares: Non-Finnish European, 0.00025%; no homozygotes.

Submissions (3):

Ambry Genetics
Classification: Uncertain significance for Cardiovascular phenotype. Last evaluated: 2025-07-09. Review status: criteria provided, single submitter. Criteria: Ambry Variant Classification Scheme 2023. Collection method: clinical testing. Allele origin: germline.
Comment: The p.A594T variant (also known as c.1780G>A), located in coding exon 13 of the LAMA4 gene, results from a G to A substitution at nucleotide position 1780. The alanine at codon 594 is replaced by threonine, an amino acid with similar properties. This amino acid position is conserved. In addition, this alteration is predicted to be tolerated by in silico analysis. Since supporting evidence is limited at this time, the clinical significance of this alteration remains unclear.

Labcorp Genetics (formerly Invitae), Labcorp
Classification: Uncertain significance for Dilated cardiomyopathy 1JJ. Last evaluated: 2021-12-18. Review status: criteria provided, single submitter. Criteria: Invitae Variant Classification Sherloc (09022015). Collection method: clinical testing. Allele origin: germline.
Comment: In summary, the available evidence is currently insufficient to determine the role of this variant in disease. Therefore, it has been classified as a Variant of Uncertain Significance. Algorithms developed to predict the effect of missense changes on protein structure and function (SIFT, PolyPhen-2, Align-GVGD) all suggest that this variant is likely to be disruptive. ClinVar contains an entry for this variant (Variation ID: 638532). This variant has not been reported in the literature in individuals affected with LAMA4-related conditions. This variant is present in population databases (no rsID available, gnomAD 0.0009%). This sequence change replaces alanine, which is neutral and non-polar, with threonine, which is neutral and polar, at codon 594 of the LAMA4 protein (p.Ala594Thr).

Genomic Research Center, Shahid Beheshti University of Medical Sciences
Classification: Uncertain significance for Dilated cardiomyopathy 1JJ. Last evaluated: 2019-04-27. Review status: criteria provided, single submitter. Criteria: ACMG Guidelines, 2015. Collection method: clinical testing. Allele origin: unknown. Affected: yes.

NM_001105206.3(LAMA4):c.1801G>A (p.Ala601Thr)

Gene: LAMA4 (laminin subunit alpha 4; minus strand). Cytogenetic location: 6q21.
Variant type: single nucleotide variant.
Coding change: c.1801G>A on transcript NM_001105206.3 (MANE Select); coding-DNA position 1801, G replaced by A.
Protein change: p.Ala601Thr; replaces alanine 601 with threonine.
Molecular consequence: missense variant.
Genome position (GRCh38, 1-based): chr6:112,158,748, C>T on the plus strand (G>A on the coding strand, the complement: LAMA4 is on the minus strand). VCF-style: chr6-112158748-C-T. GRCh37 (hg19) VCF-style: chr6-112479950-C-T.
Other names: c.1780G>A, p.Ala594Thr (NM_001105207.3, NM_002290.5); short protein forms A594T, A601T.
Identifiers: ClinVar variation 638532 (VCV000638532.10), dbSNP rs1554337589, ClinGen allele CA365365449.